The following is an entry in ClinVar:

ClinVar aggregate classification (germline): Uncertain significance (1 of 4 stars; one submission).

Submission:

Labcorp Genetics (formerly Invitae), Labcorp
Classification: Uncertain significance. Last evaluated: 2024-07-31. Review status: criteria provided, single submitter. Criteria: Invitae Variant Classification Sherloc (09022015). Collection method: clinical testing. Allele origin: germline.
Comment: This sequence change replaces glycine, which is neutral and non-polar, with aspartic acid, which is acidic and polar, at codon 673 of the LRP5 protein (p.Gly673Asp). This variant is not present in population databases (gnomAD no frequency). This variant has not been reported in the literature in individuals affected with LRP5-related conditions. ClinVar contains an entry for this variant (Variation ID: 1381519). Advanced modeling of protein sequence and biophysical properties (such as structural, functional, and spatial information, amino acid conservation, physicochemical variation, residue mobility, and thermodynamic stability) performed at Invitae indicates that this missense variant is not expected to disrupt LRP5 protein function with a negative predictive value of 95%. In summary, the available evidence is currently insufficient to determine the role of this variant in disease. Therefore, it has been classified as a Variant of Uncertain Significance.

NM_002335.4(LRP5):c.2018G>A (p.Gly673Asp)

Gene: LRP5 (LDL receptor related protein 5; plus strand). Cytogenetic location: 11q13.2.
Variant type: single nucleotide variant.
Coding change: c.2018G>A on transcript NM_002335.4 (MANE Select); coding-DNA position 2018, G replaced by A.
Protein change: p.Gly673Asp; replaces glycine 673 with aspartic acid.
Molecular consequence: missense variant.
Genome position (GRCh38, 1-based): chr11:68,406,740, G>A. VCF-style: chr11-68406740-G-A. GRCh37 (hg19) VCF-style: chr11-68174208-G-A.
Other names: c.275G>A, p.Gly92Asp (NM_001291902.2); short protein forms G673D, G92D.
Identifiers: ClinVar variation 1381519 (VCV001381519.6), dbSNP rs2098655926, ClinGen allele CA381615778.